The following is an entry in ClinVar:

NM_033380.3(COL4A5):c.3771A>G (p.Gln1257=)

Gene: COL4A5 (collagen type IV alpha 5 chain; plus strand). Cytogenetic location: Xq22.3.
Variant type: single nucleotide variant.
Coding change: c.3771A>G on transcript NM_033380.3 (MANE Select); coding-DNA position 3771, A replaced by G.
Protein change: p.Gln1257=; no amino-acid change (glutamine 1257 retained).
Molecular consequence: synonymous variant.
Genome position (GRCh38, 1-based): chrX:108,668,485, A>G. VCF-style: chrX-108668485-A-G. GRCh37 (hg19) VCF-style: chrX-107911715-A-G.
Other names: c.3771A>G, p.Gln1257= (NM_000495.5).
Identifiers: ClinVar variation 772028 (VCV000772028.15), dbSNP rs148046007, ClinGen allele CA10489165.

ClinVar aggregate classification (germline): Benign/Likely benign. Review status: criteria provided, multiple submitters, no conflicts (2 of 4 stars). 5 submissions from 5 submitters: Benign (1); Likely benign (2). 2 of the submissions do not count toward it. Last evaluated 2026-01-16.

Conditions:
COL4A5-related disorder. Also called: COL4A5-related condition.
X-linked Alport syndrome (ATS1). Also called: NEPHROPATHY AND DEAFNESS, X-LINKED; COL4A5-Related Nephropathy. Identifiers: Orphanet 63, Orphanet 88917, MedGen C4746986, MONDO:0010520, OMIM 301050.

Allele frequency attached by ClinVar (database versions not stated): gnomAD 0.00025; TOPMed 0.00031; 1000 Genomes Project 30x 0.00042; 1000 Genomes Project 0.00053; ESP Exome Variant Server 0.00057.
gnomAD v4.1: 56 of 1,190,106 alleles (0.0047%); highest among the groups gnomAD compares: African/African-American, 0.053%; no homozygotes.

Submissions (5):

Labcorp Genetics (formerly Invitae), Labcorp
Classification: Benign. Last evaluated: 2026-01-16. Review status: criteria provided, single submitter. Criteria: Invitae Variant Classification Sherloc (09022015). Collection method: clinical testing. Allele origin: germline.

Blueprint Genetics
Classification: Likely benign. Last evaluated: 2024-02-23. Review status: criteria provided, single submitter. Criteria: ACMG Guidelines, 2015. Collection method: clinical testing. Allele origin: germline.

GeneDx
Classification: Likely benign. Last evaluated: 2021-05-28. Review status: criteria provided, single submitter. Criteria: GeneDx Variant Classification Process June 2021. Collection method: clinical testing. Allele origin: germline. Affected: yes.

PreventionGenetics, part of Exact Sciences
Classification: Likely benign for COL4A5-related condition. Last evaluated: 2022-06-14. Review status: no assertion criteria provided. Collection method: clinical testing. Allele origin: germline. Not counted in ClinVar's aggregate classification.
Comment: This variant is classified as likely benign based on ACMG/AMP sequence variant interpretation guidelines (Richards et al. 2015 PMID: 25741868, with internal and published modifications).

Natera, Inc.
Classification: Likely benign for X-linked Alport syndrome. Last evaluated: 2020-12-15. Review status: no assertion criteria provided. Collection method: clinical testing. Allele origin: germline. Not counted in ClinVar's aggregate classification.